The following is an entry in ClinVar:

ClinVar aggregate classification (germline): Uncertain significance. Review status: criteria provided, multiple submitters, no conflicts (2 of 4 stars). 2 submissions from 2 submitters: Uncertain significance (2). Last evaluated 2026-06-12.

Conditions:
Arrhythmogenic right ventricular dysplasia 13. Also called: ARRHYTHMOGENIC RIGHT VENTRICULAR CARDIOMYOPATHY 13; Arrhythmogenic right ventricular dysplasia, familial, 13. Identifiers: MedGen C3810138, MONDO:0000908, OMIM 615616.

Allele frequency attached by ClinVar (database versions not stated): gnomAD exomes below 0.00001.
gnomAD v4.1: 2 of 1,613,608 alleles (0.00012%); highest among the groups gnomAD compares: Admixed American, 0.0033%; no homozygotes.

Submissions (2):

Ambry Genetics
Classification: Uncertain significance. Last evaluated: 2026-06-12. Review status: criteria provided, single submitter. Criteria: Ambry Variant Classification Scheme 2023. Collection method: clinical testing. Allele origin: germline.
Comment: The p.L796F variant (also known as c.2386C>T), located in coding exon 16 of the CTNNA3 gene, results from a C to T substitution at nucleotide position 2386. The leucine at codon 796 is replaced by phenylalanine, an amino acid with highly similar properties. This amino acid position is conserved. In addition, this alteration is predicted to be tolerated by in silico analysis. Based on the available evidence, the clinical significance of this variant remains unclear.

Labcorp Genetics (formerly Invitae), Labcorp
Classification: Uncertain significance for Arrhythmogenic right ventricular dysplasia 13. Last evaluated: 2022-03-18. Review status: criteria provided, single submitter. Criteria: Invitae Variant Classification Sherloc (09022015). Collection method: clinical testing. Allele origin: germline.
Comment: This sequence change replaces leucine, which is neutral and non-polar, with phenylalanine, which is neutral and non-polar, at codon 796 of the CTNNA3 protein (p.Leu796Phe). This variant is present in population databases (no rsID available, gnomAD 0.006%). This variant has not been reported in the literature in individuals affected with CTNNA3-related conditions. Algorithms developed to predict the effect of missense changes on protein structure and function are either unavailable or do not agree on the potential impact of this missense change (SIFT: "Deleterious"; PolyPhen-2: "Not Available"; Align-GVGD: "Class C0"). In summary, the available evidence is currently insufficient to determine the role of this variant in disease. Therefore, it has been classified as a Variant of Uncertain Significance.

NM_013266.4(CTNNA3):c.2386C>T (p.Leu796Phe)

Gene: CTNNA3 (catenin alpha 3; minus strand). Cytogenetic location: 10q21.3.
Variant type: single nucleotide variant.
Coding change: c.2386C>T on transcript NM_013266.4 (MANE Select); coding-DNA position 2386, C replaced by T.
Protein change: p.Leu796Phe; replaces leucine 796 with phenylalanine.
Molecular consequence: missense variant.
Genome position (GRCh38, 1-based): chr10:65,966,626, G>A on the plus strand (C>T on the coding strand, the complement: CTNNA3 is on the minus strand). VCF-style: chr10-65966626-G-A. GRCh37 (hg19) VCF-style: chr10-67726384-G-A.
Other names: c.2386C>T, p.Leu796Phe (NM_001127384.3); c.2386C>T (NM_013266.2); short protein forms L796F.
Identifiers: ClinVar variation 2150156 (VCV002150156.6), dbSNP rs1372395946, ClinGen allele CA377089904.